The following is an entry in ClinVar:

ClinVar aggregate classification (germline): Pathogenic (1 of 4 stars; one submission).

Conditions:
Familial cancer of breast. Also called: Hereditary breast cancer; BREAST CANCER, FAMILIAL; hereditary breast carcinoma. Identifiers: Orphanet 227535, MedGen C0346153, MONDO:0016419, OMIM 114480. Disease mechanism: loss of function.

Submission:

Myriad Genetics, Inc.
Classification: Pathogenic for Familial cancer of breast. Last evaluated: 2023-09-06. Review status: criteria provided, single submitter. Criteria: Myriad Autosomal Dominant, Autosomal Recessive and X-Linked Classification Criteria (2023). Collection method: clinical testing. Allele origin: unknown.
Comment: This variant is considered pathogenic. This variant creates a frameshift predicted to result in premature protein truncation.

NM_024675.4(PALB2):c.128dup (p.Ile44fs)

Gene: PALB2 (partner and localizer of BRCA2; minus strand). Cytogenetic location: 16p12.2.
Variant type: Duplication.
Coding change: c.128dup on transcript NM_024675.4 (MANE Select); coding-DNA position 128, one base duplicated (A; older notation c.128dupA).
Protein change: p.Ile44fs; shifts the reading frame from isoleucine 44.
Molecular consequence: frameshift variant. On other transcripts: 5 prime UTR variant (8), intron variant (3).
Genome position (GRCh38, 1-based): chr16:23,637,933, T duplicated on the plus strand (A on the coding strand, the reverse complement: PALB2 is on the minus strand); the first of 4 consecutive T bases (chr16:23,637,933-23,637,936); duplicating any one gives the same sequence. VCF-style (leftmost placement, unchanged base first): chr16-23637932-C-CT. GRCh37 (hg19) VCF-style: chr16-23649253-C-CT.
Other names: c.68dup, p.Ile24fs (NM_001407296.1); c.128dup, p.Ile44fs (NM_001407297.1, NM_001407298.1, NM_001407299.1 and 3 more transcripts); c.-758dup (NM_001407304.1, NM_001407305.1, NM_001407306.1 and 5 more transcripts); c.48+3177dup (NM_001407314.1); c.-105+3177dup (NM_001407313.1, NM_001407312.1); short protein forms I24fs, I44fs.
Identifiers: ClinVar variation 2674046 (VCV002674046.1), dbSNP rs2506535967, ClinGen allele CA2695197561.